The following is an entry in ClinVar:

ClinVar aggregate classification (germline): Uncertain significance. Review status: criteria provided, multiple submitters, no conflicts (2 of 4 stars). 2 submissions from 2 submitters: Uncertain significance (2). Last evaluated 2023-06-22.

Conditions:
Wagner disease. Also called: HYALOIDEORETINAL DEGENERATION OF WAGNER; WAGNER VITREORETINAL DEGENERATION; WAGNER VITREORETINOPATHY; WAGNER SYNDROME 1; Wagner syndrome; Wagner Vitreoretinal Degeneration (Wagner Synrdome). Identifiers: Orphanet 898, MedGen C1840452, MONDO:0007740, OMIM 143200.

Allele frequency attached by ClinVar (database versions not stated): TOPMed 0.00001; gnomAD 0.00002; ExAC 0.00003; gnomAD exomes 0.00003.
gnomAD v4.1: 64 of 1,613,930 alleles (0.004%); highest among the groups gnomAD compares: South Asian, 0.025%; no homozygotes.

Submissions (2):

Neuberg Centre For Genomic Medicine, NCGM
Classification: Uncertain significance for Wagner disease. Last evaluated: 2023-06-22. Review status: criteria provided, single submitter. Criteria: ACMG Guidelines, 2015. Collection method: clinical testing. Allele origin: germline. Inheritance: Autosomal dominant inheritance. Affected: yes.
Comment: The missense c.7965G>T(p.Met2655Ile) variant in VCAN gene has not been reported previously as a pathogenic variant nor as a benign variant, to our knowledge. This variant is present with an allele frequency of 0.003% in gnomAD Exomes. This variant has been submitted to the ClinVar database as Uncertain significance. Computational evidence (Polyphen - Benign, SIFT -Tolerated and MutationTaster -Polymorphism) predicts no damaging effect on protein structure and function for this variant. The reference amino acid at this position in VCAN is predicted as conserved by GERP++ and PhyloP across 100 vertebrates. The amino acid Met at position 2655 is changed to a Ile changing protein sequence and it might alter its composition and physico-chemical properties. For these reasons, this variant has been classified as Variant of Uncertain Significance (VUS).

Labcorp Genetics (formerly Invitae), Labcorp
Classification: Uncertain significance. Last evaluated: 2022-12-22. Review status: criteria provided, single submitter. Criteria: Invitae Variant Classification Sherloc (09022015). Collection method: clinical testing. Allele origin: germline.
Comment: Algorithms developed to predict the effect of missense changes on protein structure and function output the following: SIFT: "Tolerated"; PolyPhen-2: "Benign"; Align-GVGD: "Class C0". The isoleucine amino acid residue is found in multiple mammalian species, which suggests that this missense change does not adversely affect protein function. In summary, the available evidence is currently insufficient to determine the role of this variant in disease. Therefore, it has been classified as a Variant of Uncertain Significance. ClinVar contains an entry for this variant (Variation ID: 860351). This variant has not been reported in the literature in individuals affected with VCAN-related conditions. This variant is present in population databases (rs746523135, gnomAD 0.01%). This sequence change replaces methionine, which is neutral and non-polar, with isoleucine, which is neutral and non-polar, at codon 2655 of the VCAN protein (p.Met2655Ile).

NM_004385.5(VCAN):c.7965G>T (p.Met2655Ile)

Genes: VCAN (versican; plus strand), VCAN-AS1 (VCAN antisense RNA 1; minus strand). Cytogenetic location: 5q14.3.
Variant type: single nucleotide variant.
Coding change: c.7965G>T on transcript NM_004385.5 (MANE Select); coding-DNA position 7965, G replaced by T.
Protein change: p.Met2655Ile; replaces methionine 2655 with isoleucine.
Molecular consequence: missense variant. On other transcripts: intron variant (2).
Genome position (GRCh38, 1-based): chr5:83,540,968, G>T. VCF-style: chr5-83540968-G-T. GRCh37 (hg19) VCF-style: chr5-82836787-G-T.
Other names: c.5004G>T, p.Met1668Ile (NM_001164097.2); c.4004-4569G>T (NM_001164098.2); c.1043-4569G>T (NM_001126336.3); short protein forms M1668I, M2655I.
Identifiers: ClinVar variation 860351 (VCV000860351.9), dbSNP rs746523135, ClinGen allele CA3333719.